The following is an entry in ClinVar:

NM_001267550.2(TTN):c.101200G>C (p.Glu33734Gln)

Genes: TTN-AS1 (TTN antisense RNA 1; plus strand), TTN (titin; minus strand). Cytogenetic location: 2q31.2.
Variant type: single nucleotide variant.
Coding change: c.101200G>C on transcript NM_001267550.2 (MANE Select); coding-DNA position 101200, G replaced by C.
Protein change: p.Glu33734Gln; replaces glutamic acid 33734 with glutamine.
Molecular consequence: missense variant.
Genome position (GRCh38, 1-based): chr2:178,535,415, C>G on the plus strand (G>C on the coding strand, the complement: TTN is on the minus strand). VCF-style: chr2-178535415-C-G. GRCh37 (hg19) VCF-style: chr2-179400142-C-G.
Other names: c.96277G>C, p.Glu32093Gln (NM_001256850.1); c.74005G>C, p.Glu24669Gln (NM_003319.4); c.93496G>C, p.Glu31166Gln (NM_133378.4); c.74380G>C, p.Glu24794Gln (NM_133432.3); c.74581G>C, p.Glu24861Gln (NM_133437.4); short protein forms E24669Q, E24861Q, E32093Q, E31166Q, E33734Q, E24794Q.
Identifiers: ClinVar variation 2933175 (VCV002933175.3), dbSNP rs2468574086, ClinGen allele CA349421333.

ClinVar aggregate classification (germline): Uncertain significance (1 of 4 stars; one submission).

Conditions:
Autosomal recessive limb-girdle muscular dystrophy type 2J (LGMDR10). Also called: Limb-girdle muscular dystrophy, type 2J; MUSCULAR DYSTROPHY, LIMB-GIRDLE, AUTOSOMAL RECESSIVE 10. Identifiers: Orphanet 140922, MedGen C1837342, MONDO:0012127, OMIM 608807.
Dilated cardiomyopathy 1G (CMD1G). Identifiers: Orphanet 154, MedGen C1858763, MONDO:0011400, OMIM 604145.

Allele frequency attached by ClinVar (database versions not stated): gnomAD exomes below 0.00001.
gnomAD v4.1: 1 of 1,613,908 alleles (0.000062%); highest among the groups gnomAD compares: Non-Finnish European, 0.000085%; no homozygotes.

Submission:

Labcorp Genetics (formerly Invitae), Labcorp
Classification: Uncertain significance for Dilated cardiomyopathy 1G; Autosomal recessive limb-girdle muscular dystrophy type 2J. Last evaluated: 2022-11-30. Review status: criteria provided, single submitter. Criteria: Invitae Variant Classification Sherloc (09022015). Collection method: clinical testing. Allele origin: germline.
Comment: In summary, the available evidence is currently insufficient to determine the role of this variant in disease. Therefore, it has been classified as a Variant of Uncertain Significance. This variant is located in the M band of TTN (PMID: 25589632). Variants in this region may be relevant for neuromuscular disorders, but have not been definitively shown to cause cardiomyopathy (PMID: 23975875). Experimental studies and prediction algorithms are not available or were not evaluated, and the functional significance of this variant is currently unknown. This variant has not been reported in the literature in individuals affected with TTN-related conditions. This variant is not present in population databases (gnomAD no frequency). This sequence change replaces glutamic acid, which is acidic and polar, with glutamine, which is neutral and polar, at codon 33734 of the TTN protein (p.Glu33734Gln).

Literature cited by the submitters: PubMed 25589632; PubMed 23975875.